The following is an entry in ClinVar:

ClinVar aggregate classification (germline): Conflicting classifications of pathogenicity. Review status: criteria provided, conflicting classifications (1 of 4 stars). 3 submissions from 3 submitters: Likely pathogenic (1); Uncertain significance (2). Last evaluated 2026-07-15.

Conditions:
Inborn genetic diseases. Identifiers: MedGen C0950123, MeSH D030342.
Alport syndrome. Also called: Hemorrhagic familial nephritis; Hemorrhagic hereditary nephritis; Congenital hereditary hematuria. Identifiers: Orphanet 63, MedGen C1567741, MONDO:0018965.
Hematuria, benign familial, 2 (BFH2). Identifiers: MedGen C5830421, MONDO:0958186, OMIM 620320.
Alport syndrome 3b, autosomal recessive. Identifiers: MedGen C5882699, MONDO:0957811, OMIM 620536.
Autosomal dominant Alport syndrome (ATS3A). Also called: ALPORT SYNDROME 3A, AUTOSOMAL DOMINANT; Alport syndrome dominant type; Renal failure and sensorineural hearing loss. Identifiers: Orphanet 63, Orphanet 88918, MedGen C5882663, MONDO:0007086, OMIM 104200.

Submissions (3):

Myriad Genetics, Inc.
Classification: Uncertain significance for Alport syndrome. Last evaluated: 2026-07-15. Review status: criteria provided, single submitter. Criteria: Myriad Autosomal Dominant, Autosomal Recessive and X-Linked Classification Criteria (2023). Collection method: clinical testing. Allele origin: unknown.
Comment: NM_000091.4(COL4A3):c.3016G>A(G1006R) is a missense variant classified as a variant of uncertain significance in the context of Alport syndrome, COL4A3-related. G1006R has not been observed in cases with relevant disease. Relevant functional assessments of this variant are not available in the literature. Internal structural analysis of the variant is supportive of pathogenicity. G1006R has not been observed in referenced population frequency databases. In summary, there is insufficient evidence to classify NM_000091.4(COL4A3):c.3016G>A(G1006R) as pathogenic or benign. Please note: this variant was assessed in the context of healthy population screening.

Ambry Genetics
Classification: Uncertain significance for Inborn genetic diseases. Last evaluated: 2024-08-04. Review status: criteria provided, single submitter. Criteria: Ambry Variant Classification Scheme 2023. Collection method: clinical testing. Allele origin: germline.

Fulgent Genetics
Classification: Likely pathogenic for Autosomal dominant Alport syndrome; Hematuria, benign familial, 2; Alport syndrome 3b, autosomal recessive. Last evaluated: 2024-05-03. Review status: criteria provided, single submitter. Criteria: ACMG Guidelines, 2015. Collection method: clinical testing. Allele origin: germline.

NM_000091.5(COL4A3):c.3016G>A (p.Gly1006Arg)

Genes: COL4A3 (collagen type IV alpha 3 chain; plus strand), MFF-DT (MFF divergent transcript; minus strand). Cytogenetic location: 2q36.3.
Variant type: single nucleotide variant.
Coding change: c.3016G>A on transcript NM_000091.5 (MANE Select); coding-DNA position 3016, G replaced by A.
Protein change: p.Gly1006Arg; replaces glycine 1006 with arginine.
Molecular consequence: missense variant.
Genome position (GRCh38, 1-based): chr2:227,290,034, G>A. VCF-style: chr2-227290034-G-A. GRCh37 (hg19) VCF-style: chr2-228154750-G-A.
Other names: short protein forms G1006R.
Identifiers: ClinVar variation 3495499 (VCV003495499.3).